The following is an entry in ClinVar:

NM_001171.6(ABCC6):c.4151T>C (p.Val1384Ala)

Gene: ABCC6 (ATP binding cassette subfamily C member 6; minus strand). Cytogenetic location: 16p13.11.
Variant type: single nucleotide variant.
Coding change: c.4151T>C on transcript NM_001171.6 (MANE Select); coding-DNA position 4151, T replaced by C.
Protein change: p.Val1384Ala; replaces valine 1384 with alanine.
Molecular consequence: missense variant. On other transcripts: non-coding transcript variant (1).
Genome position (GRCh38, 1-based): chr16:16,154,685, A>G on the plus strand (T>C on the coding strand, the complement: ABCC6 is on the minus strand). VCF-style: chr16-16154685-A-G. GRCh37 (hg19) VCF-style: chr16-16248542-A-G.
Other names: c.3809T>C, p.Val1270Ala (NM_001351800.1); short protein forms V1270A, V1384A.
Identifiers: ClinVar variation 3377375 (VCV003377375.2).

ClinVar aggregate classification (germline): Uncertain significance. Review status: criteria provided, multiple submitters, no conflicts (2 of 4 stars). 2 submissions from 2 submitters: Uncertain significance (2). Last evaluated 2024-12-17.

Conditions:
Arterial calcification, generalized, of infancy, 2. Identifiers: Orphanet 51608, MedGen C3276161, MONDO:0013768, OMIM 614473.

gnomAD v4.1: 8 of 1,613,380 alleles (0.0005%); highest among the groups gnomAD compares: Admixed American, 0.005%; no homozygotes.

Submissions (2):

Labcorp Genetics (formerly Invitae), Labcorp
Classification: Uncertain significance. Last evaluated: 2024-12-17. Review status: criteria provided, single submitter. Criteria: Invitae Variant Classification Sherloc (09022015). Collection method: clinical testing. Allele origin: germline.
Comment: This sequence change replaces valine, which is neutral and non-polar, with alanine, which is neutral and non-polar, at codon 1384 of the ABCC6 protein (p.Val1384Ala). This variant is present in population databases (rs754267653, gnomAD 0.003%). This missense change has been observed in individual(s) with inherited retinal disorders (PMID: 32483926). Invitae Evidence Modeling of protein sequence and biophysical properties (such as structural, functional, and spatial information, amino acid conservation, physicochemical variation, residue mobility, and thermodynamic stability) has been performed for this missense variant. However, the output from this modeling did not meet the statistical confidence thresholds required to predict the impact of this variant on ABCC6 protein function. In summary, the available evidence is currently insufficient to determine the role of this variant in disease. Therefore, it has been classified as a Variant of Uncertain Significance.

Victorian Clinical Genetics Services, Murdoch Childrens Research Institute
Classification: Uncertain significance for Arterial calcification, generalized, of infancy, 2. Last evaluated: 2020-05-25. Review status: criteria provided, single submitter. Criteria: ACMG Guidelines, 2015. Collection method: clinical testing. Allele origin: germline.
Comment: Based on the classification scheme VCGS_Germline_v1.1.1, this variant is classified as a 3B-VUS. Following criteria are met: 0102 - Loss-of-function is a known mechanism of disease for this gene. (N) 0108 - This gene is known to be associated with both recessive and dominant disease. (N) 0200 - Variant is predicted to result in a missense amino acid change from a valine to an alanine (exon 29). (N) 0251 - Variant is heterozygous. (N) 0304 - Variant is present in gnomAD <0.01 for a recessive condition (2 heterozygotes, 0 homozygotes). (P) 0502 - Missense variant with conflicting in silico predictions and/or uninformative conservation. (N) 0600 - Variant is located in an annotated domain or motif (ABC transporter domain; PDB, Uniprot, Decipher). (N) 0705 - No comparable variants have previous evidence for pathogenicity. (N) 0807 - Variant has not previously been reported in a clinical context. (N) 0905 - No segregation evidence has been identified for this variant. (N) 1007 - No published functional evidence has been identified for this variant. (N) 1208 - Inheritance information for this variant is not currently available. (N) Legend: (P) - Pathogenic, (N) - Neutral, (B) - Benign

Literature cited by the submitters: PubMed 32483926 (cited by Labcorp Genetics (formerly Invitae), Labcorp).